The following is an entry in ClinVar:

NM_000091.5(COL4A3):c.1594G>T (p.Gly532Cys)

Genes: COL4A3 (collagen type IV alpha 3 chain; plus strand), MFF-DT (MFF divergent transcript; minus strand). Cytogenetic location: 2q36.3.
Variant type: single nucleotide variant.
Coding change: c.1594G>T on transcript NM_000091.5 (MANE Select); coding-DNA position 1594, G replaced by T.
Protein change: p.Gly532Cys; replaces glycine 532 with cysteine.
Molecular consequence: missense variant.
Genome position (GRCh38, 1-based): chr2:227,270,788, G>T. VCF-style: chr2-227270788-G-T. GRCh37 (hg19) VCF-style: chr2-228135504-G-T.
Other names: short protein forms G532C.
Identifiers: ClinVar variation 635483 (VCV000635483.20), dbSNP rs779575469, ClinGen allele CA350871528.

ClinVar aggregate classification (germline): Pathogenic/Likely pathogenic. Review status: criteria provided, multiple submitters, no conflicts (2 of 4 stars). 7 submissions from 7 submitters: Pathogenic (5); Likely pathogenic (1). 1 of the submissions does not count toward it. Last evaluated 2026-01-23.

Conditions:
Autosomal dominant Alport syndrome (ATS3A). Also called: ALPORT SYNDROME 3A, AUTOSOMAL DOMINANT; Alport syndrome dominant type; Renal failure and sensorineural hearing loss. Identifiers: Orphanet 63, Orphanet 88918, MedGen C5882663, MONDO:0007086, OMIM 104200.
Hematuria, benign familial, 2 (BFH2). Identifiers: MedGen C5830421, MONDO:0958186, OMIM 620320.
Alport syndrome 3b, autosomal recessive. Identifiers: MedGen C5882699, MONDO:0957811, OMIM 620536.
Alport syndrome. Also called: Hemorrhagic familial nephritis; Hemorrhagic hereditary nephritis; Congenital hereditary hematuria. Identifiers: Orphanet 63, MedGen C1567741, MONDO:0018965.
Autosomal recessive Alport syndrome (ATS2). Also called: Alport syndrome type 2; COL4A3-Related Nephropathy; COL4A4 Alport Syndrome and Thin Basement Membrane Nephropathy; ALPORT SYNDROME 2, AUTOSOMAL RECESSIVE. Identifiers: Orphanet 63, Orphanet 88919, MedGen C4746745, MONDO:0008762, OMIM 203780.
Hematuria. Identifiers: MedGen C0018965, HP:0000790.

Allele frequency attached by ClinVar (database versions not stated): gnomAD 0.00001.
gnomAD v4.1: 2 of 1,613,958 alleles (0.00012%); highest among the groups gnomAD compares: Non-Finnish European, 0.00017%; no homozygotes.

Submissions (7):

Genetics Laboratory, Great Ormond Street Hospital NHS Foundation Trust, North Thames Genomic Laboratory Hub
Classification: Pathogenic for Haematuria. Last evaluated: 2026-01-23. Review status: criteria provided, single submitter. Criteria: ACGS Best Practice Guidelines for Variant Classification in Rare Disease 2024 v1.2. Collection method: clinical testing. Allele origin: germline. Affected: yes.
Comment: PS4_moderate, PM2_moderate, PP3_supporting, PM5_moderate, PM1_strong

Natera, Inc.
Classification: Pathogenic for Alport syndrome. Last evaluated: 2025-09-02. Review status: criteria provided, single submitter. Criteria: Natera Variant Classification Schema (03/2026). Collection method: clinical testing. Allele origin: germline.
Comment: The c.1594G>T variant in COL4A3 is a missense variant predicted to cause substitution of glycine to cysteine at amino acid 532. This variant is rare in the general population with a frequency below the threshold expected for the associated phenotype(s). This variant has been observed in one or more individuals affected with the associated recessive disease, as either homozygous or compound heterozygous with a second variant (PMID: 38214412). This variant has been observed in affected individual(s) with monoallelic occurrence (heterozygous/hemizygous) (PMID: 14871398, 26809805, 32939031). This variant is located in a functionally critical region of the protein. Computational prediction algorithms indicate this variant is likely to affect gene or protein function. Given the available evidence, this variant is classified as Pathogenic.

Victorian Clinical Genetics Services, Murdoch Childrens Research Institute
Classification: Pathogenic for Alport syndrome. Last evaluated: 2025-04-01. Review status: criteria provided, single submitter. Criteria: ACMG Guidelines, 2015. Collection method: clinical testing. Allele origin: germline. Affected: yes.
Comment: This variant is classified as Pathogenic. Evidence in support of pathogenic classification: Variant is present in gnomAD <0.01 (v4: 2 heterozygote(s), 0 homozygote(s)); This variant has strong previous evidence of pathogenicity in unrelated individuals. It has been classified as pathogenic and likely pathogenic by clinical laboratories (ClinVar), and has been reported in the literature in at least two individuals with haematuria and/or proteinuria (PMID: 14871398, 35759000); Variant is located in the well-established functional Gly-X-Y motif in the collagen triple helical domain (DECIPHER); Missense variant predicted to be damaging by in silico tool(s) or highly conserved with a major amino acid change. Additional information: Variant is predicted to result in a missense amino acid change from glycine to cysteine; This variant is heterozygous; This gene is associated with both recessive and dominant Alport syndrome (MONDO:0018965), COL4A3-related; Alternative amino acid change(s) at the same position are present in gnomAD (highest allele count: v4: 2 heterozygote(s), 0 homozygote(s)) ; Other missense variants comparable to the one identified in this case have conflicting previous evidence for pathogenicity. p.(Gly532Asp) has been classified as likely pathogenic and p.(Gly532Ser) has been classified as likely pathogenic and a variant of uncertain significance by clinical laboratories (ClinVar); Dominant negative and loss of function are known mechanisms of disease in this gene and are associated with Alport syndrome (MONDO:0018965), COL4A3-related. Glycine changes that are part of a G-X-Y repeat in the triple helix of a collagen domain are known to have a dominant negative effect (PMID: 12028435).

Labcorp Genetics (formerly Invitae), Labcorp
Classification: Pathogenic. Last evaluated: 2024-07-08. Review status: criteria provided, single submitter. Criteria: Invitae Variant Classification Sherloc (09022015). Collection method: clinical testing. Allele origin: germline.
Comment: This sequence change replaces glycine, which is neutral and non-polar, with cysteine, which is neutral and slightly polar, at codon 532 of the COL4A3 protein (p.Gly532Cys). This variant is not present in population databases (gnomAD no frequency). This missense change has been observed in individuals with clinical features of autosomal dominant Alport syndrome (PMID: 14871398, 26809805, 31387071; Invitae). ClinVar contains an entry for this variant (Variation ID: 635483). Advanced modeling of protein sequence and biophysical properties (such as structural, functional, and spatial information, amino acid conservation, physicochemical variation, residue mobility, and thermodynamic stability) performed at Invitae indicates that this missense variant is expected to disrupt COL4A3 protein function with a positive predictive value of 80%. For these reasons, this variant has been classified as Pathogenic.

Fulgent Genetics
Classification: Pathogenic for Autosomal dominant Alport syndrome; Hematuria, benign familial, 2; Alport syndrome 3b, autosomal recessive. Last evaluated: 2024-03-01. Review status: criteria provided, single submitter. Criteria: ACMG Guidelines, 2015. Collection method: clinical testing. Allele origin: germline.

Institute of Human Genetics Munich, TUM University Hospital
Classification: Likely pathogenic for Autosomal recessive Alport syndrome. Last evaluated: 2018-03-16. Review status: criteria provided, single submitter. Criteria: Classification criteria August 2017. Collection method: clinical testing. Allele origin: maternal. Inheritance: Autosomal recessive inheritance. Affected: yes. Observed: 1 compound heterozygote.

Bioscientia Institut fuer Medizinische Diagnostik GmbH, Sonic Healthcare
Classification: Pathogenic for Autosomal dominant Alport syndrome. Last evaluated: 2019-02-08. Review status: no assertion criteria provided. Collection method: clinical testing. Allele origin: germline. Affected: yes. Not counted in ClinVar's aggregate classification.

Literature cited by the submitters: PubMed 38214412 (cited by Natera, Inc.); PubMed 14871398 (cited by 3 submitters); PubMed 26809805 (cited by Natera, Inc. and Labcorp Genetics (formerly Invitae), Labcorp); PubMed 32939031 (cited by Natera, Inc.); PubMed 12028435 (cited by Victorian Clinical Genetics Services, Murdoch Childrens Research Institute); PubMed 35759000 (cited by Victorian Clinical Genetics Services, Murdoch Childrens Research Institute); PubMed 31387071 (cited by Labcorp Genetics (formerly Invitae), Labcorp).